The following is an entry in ClinVar:

ClinVar aggregate classification (germline): Pathogenic (1 of 4 stars; one submission).

Conditions:
Duchenne muscular dystrophy (DMD). Also called: MUSCULAR DYSTROPHY, PSEUDOHYPERTROPHIC PROGRESSIVE, DUCHENNE TYPE; Duchenne Muscular Dystrophy (DMD). Identifiers: Orphanet 98896, MedGen C0013264, MONDO:0010679, OMIM 310200.

Submission:

Labcorp Genetics (formerly Invitae), Labcorp
Classification: Pathogenic for Duchenne muscular dystrophy. Last evaluated: 2021-11-11. Review status: criteria provided, single submitter. Criteria: Invitae Variant Classification Sherloc (09022015). Collection method: clinical testing. Allele origin: germline.
Comment: This variant is a gross deletion of the genomic region encompassing exon(s) 46-48 of the DMD gene. This deletion is out-of-frame, and is expected to create a premature termination codon and result in an absent or disrupted protein product. Loss-of-function variants in DMD are known to be pathogenic (PMID: 16770791, 25007885). A similar copy number variant has been observed in individual(s) with Duchenne muscular dystrophy or Becker muscular dystrophy, or dilated cardiomyopathy (PMID: 9007319, 9800909, 21851881, 24928015). For these reasons, this variant has been classified as Pathogenic.

Literature cited by the submitters: PubMed 16770791; PubMed 25007885; PubMed 9007319; PubMed 9800909; PubMed 21851881; PubMed 24928015.

NC_000023.11:g.(?_31875178)_(31932237_?)del

Gene: DMD (dystrophin; minus strand). Cytogenetic location: Xp21.1.
Variant type: Deletion.
Identifiers: ClinVar variation 650719 (VCV000650719.3).